The following is an entry in ClinVar:

ClinVar aggregate classification (germline): Uncertain significance (1 of 4 stars; one submission).

Submission:

Labcorp Genetics (formerly Invitae), Labcorp
Classification: Uncertain significance. Last evaluated: 2024-10-21. Review status: criteria provided, single submitter. Criteria: Invitae Variant Classification Sherloc (09022015). Collection method: clinical testing. Allele origin: germline.
Comment: This sequence change replaces lysine, which is basic and polar, with glutamic acid, which is acidic and polar, at codon 213 of the MYLIP protein (p.Lys213Glu). This variant is not present in population databases (gnomAD no frequency). This variant has not been reported in the literature in individuals affected with MYLIP-related conditions. An algorithm developed to predict the effect of missense changes on protein structure and function (PolyPhen-2) suggests that this variant is likely to be tolerated. In summary, the available evidence is currently insufficient to determine the role of this variant in disease. Therefore, it has been classified as a Variant of Uncertain Significance.

NM_013262.4(MYLIP):c.637A>G (p.Lys213Glu)

Gene: MYLIP (myosin regulatory light chain interacting protein; plus strand). Cytogenetic location: 6p22.3.
Variant type: single nucleotide variant.
Coding change: c.637A>G on transcript NM_013262.4 (MANE Select); coding-DNA position 637, A replaced by G.
Protein change: p.Lys213Glu; replaces lysine 213 with glutamic acid.
Molecular consequence: missense variant.
Genome position (GRCh38, 1-based): chr6:16,143,192, A>G. VCF-style: chr6-16143192-A-G. GRCh37 (hg19) VCF-style: chr6-16143423-A-G.
Other names: short protein forms K213E.
Identifiers: ClinVar variation 3680318 (VCV003680318.2).